The following is an entry in ClinVar:

ClinVar aggregate classification (germline): Uncertain significance. Review status: criteria provided, multiple submitters, no conflicts (2 of 4 stars). 2 submissions from 2 submitters: Uncertain significance (2). Last evaluated 2023-08-02.

Allele frequency attached by ClinVar (database versions not stated): gnomAD 0.00010 and 0.00009; TOPMed 0.00010; gnomAD exomes below 0.00001 and 0.00003; ESP Exome Variant Server 0.00008; ExAC 0.00005.
gnomAD v4.1: 20 of 1,564,430 alleles (0.0013%); highest among the groups gnomAD compares: African/African-American, 0.028%; no homozygotes.

Submissions (2):

Mayo Clinic Laboratories, Mayo Clinic
Classification: Uncertain significance. Last evaluated: 2023-08-02. Review status: criteria provided, single submitter. Criteria: ACMG Guidelines, 2015. Collection method: clinical testing. Allele origin: germline. Observed: 1 variant allele.

Labcorp Genetics (formerly Invitae), Labcorp
Classification: Uncertain significance. Last evaluated: 2021-11-30. Review status: criteria provided, single submitter. Criteria: Invitae Variant Classification Sherloc (09022015). Collection method: clinical testing. Allele origin: germline.
Comment: This sequence change replaces serine, which is neutral and polar, with threonine, which is neutral and polar, at codon 10 of the ABHD5 protein (p.Ser10Thr). This variant is present in population databases (rs145281193, gnomAD 0.04%). This variant has not been reported in the literature in individuals affected with ABHD5-related conditions. Algorithms developed to predict the effect of missense changes on protein structure and function (SIFT, PolyPhen-2, Align-GVGD) all suggest that this variant is likely to be tolerated. In summary, the available evidence is currently insufficient to determine the role of this variant in disease. Therefore, it has been classified as a Variant of Uncertain Significance.

NM_016006.6(ABHD5):c.28T>A (p.Ser10Thr)

Genes: ABHD5 (abhydrolase domain containing 5, lysophosphatidic acid acyltransferase; plus strand), ANO10 (anoctamin 10; minus strand). Cytogenetic location: 3p21.33.
Variant type: single nucleotide variant.
Coding change: c.28T>A on transcript NM_016006.6 (MANE Select); coding-DNA position 28, T replaced by A.
Protein change: p.Ser10Thr; replaces serine 10 with threonine.
Molecular consequence: missense variant. On other transcripts: non-coding transcript variant (1), intron variant (2).
Genome position (GRCh38, 1-based): chr3:43,691,020, T>A. VCF-style: chr3-43691020-T-A. GRCh37 (hg19) VCF-style: chr3-43732512-T-A.
Other names: p.Ser10Thr; c.28T>A, p.Ser10Thr (NM_001355186.2, NM_001365650.1); c.-12+497A>T (NM_001346469.2, NM_001346468.2); short protein forms S10T.
Identifiers: ClinVar variation 1524465 (VCV001524465.5), dbSNP rs145281193, ClinGen allele CA2341220.